The following is an entry in ClinVar:

NM_000135.4(FANCA):c.3517TGG[1] (p.Trp1174del)

Gene: FANCA (FA complementation group A; minus strand). Cytogenetic location: 16q24.3.
Variant type: Microsatellite.
Coding change: c.3517TGG[1] on transcript NM_000135.4 (MANE Select); one copy of the 3-base unit TGG starting at c.3517; the reference has two copies in a row; one copy, 3 bases deleted; also written c.3520_3522del.
Protein change: p.Trp1174del; deletes tryptophan 1174.
Molecular consequence: inframe deletion.
Genome position (GRCh38, 1-based): chr16:89,745,063-89,745,065, CCA deleted on the plus strand (TGG on the coding strand, the reverse complement: FANCA is on the minus strand); deleting any 3 consecutive bases within chr16:89,745,063-89,745,069 gives the same sequence; the position shown is the placement nearest the transcript's 3' end. VCF-style (leftmost placement, unchanged base first): chr16-89745062-GCCA-G. GRCh37 (hg19) VCF-style: chr16-89811470-GCCA-G.
Other names: c.3520_3522delTGG (NM_000135.4, NM_000135.3); c.3517TGG[1], p.Trp1174del (NM_001286167.3); c.3520_3522del (NM_000135.4); short protein forms W1174del.
Identifiers: ClinVar variation 456115 (VCV000456115.26), dbSNP rs1555536446, ClinGen allele CA658656518.

ClinVar aggregate classification (germline): Pathogenic. Review status: criteria provided, multiple submitters, no conflicts (2 of 4 stars). 7 submissions from 7 submitters: Pathogenic (7). Last evaluated 2026-02-04.

Conditions:
Fanconi anemia (FA). Also called: Fanconi's anemia. Identifiers: Orphanet 84, MedGen C0015625, MeSH D005199, MONDO:0019391.
Fanconi anemia complementation group A (FANCA). Also called: Fanconi anemia, group A; FANCA-Related Fanconi Anemia. Identifiers: Orphanet 84, MedGen C3469521, MONDO:0009215, OMIM 227650.
FANCA-related disorders.

Submissions (7):

Labcorp Genetics (formerly Invitae), Labcorp
Classification: Pathogenic for Fanconi anemia. Last evaluated: 2026-02-04. Review status: criteria provided, single submitter. Criteria: Invitae Variant Classification Sherloc (09022015). Collection method: clinical testing. Allele origin: germline.
Comment: This variant, c.3520_3522del, results in the deletion of 1 amino acid(s) of the FANCA protein (p.Trp1174del), but otherwise preserves the integrity of the reading frame. This variant is not present in population databases (gnomAD no frequency). This variant has been observed in individual(s) with Fanconi anemia (PMID: 9371789, 17924555, 23613520, 25703136). In at least one individual the data is consistent with being in trans (on the opposite chromosome) from a pathogenic variant. Algorithms developed to predict the effect of variants on gene product structure and function are not available or were not evaluated for this variant. Experimental studies have shown that this variant affects FANCA function (PMID: 12444097). For these reasons, this variant has been classified as Pathogenic.

Natera, Inc.
Classification: Pathogenic for Fanconi anemia. Last evaluated: 2025-06-10. Review status: criteria provided, single submitter. Criteria: Natera Variant Classification Schema (03/2026). Collection method: clinical testing. Allele origin: germline.
Comment: The c.3520_3522delTGG variant in FANCA is an in-frame deletion predicted to remove tryptophan at amino acid 1174 while preserving the reading frame. This variant is rare in the general population with a frequency below the threshold expected for the associated phenotype(s). This variant has been observed in one or more individuals affected with the associated recessive disease, as either homozygous or compound heterozygous with a second variant (PMID: 34422195, 31558676, 29098742, 23067021, 23613520). This variant results in a change to the protein length while preserving reading frame, which may disrupt normal protein structure or function. Given the available evidence, this variant is classified as Pathogenic.

CeGaT Center for Human Genetics Tuebingen
Classification: Pathogenic. Last evaluated: 2024-12-01. Review status: criteria provided, single submitter. Criteria: CeGaT Center For Human Genetics Tuebingen Variant Classification Criteria Version 2. Collection method: clinical testing. Allele origin: germline. Affected: yes. Observed: 1 variant allele.
Comment: FANCA: PM3:Very Strong, PM2, PM4:Supporting

Baylor Genetics
Classification: Pathogenic for Fanconi anemia complementation group A. Last evaluated: 2023-09-21. Review status: criteria provided, single submitter. Criteria: ACMG Guidelines, 2015. Collection method: clinical testing. Allele origin: unknown.

Clinical Genetics Laboratory, Skane University Hospital Lund
Classification: Pathogenic. Last evaluated: 2023-05-02. Review status: criteria provided, single submitter. Criteria: ACMG Guidelines, 2015. Collection method: clinical testing. Allele origin: germline. Affected: yes.

Center for Genomics, Ann and Robert H. Lurie Children's Hospital of Chicago
Classification: Pathogenic for Fanconi anemia complementation group A. Last evaluated: 2022-10-10. Review status: criteria provided, single submitter. Criteria: ACMG Guidelines, 2015. Collection method: clinical testing. Allele origin: germline.
Comment: This variant has been reported in the literature in the homozygous or compound heterozygous states in several individuals with Fanconi anemia (Selected publications: Levran 1997 PMID: 9371798; Chandrasekharappa 2013 PMID: 23613520; Donovan 2016 PMID: 26841305; Steinberg-Shemer 2020 PMID: 31558676). This variant is absent from large control databases but is present in ClinVar, with multiple laboratories classifying it as pathogenic (Variation ID: 4561156). Functional studies have shown that this variant impacts the encoded protein's function (Adachi 2002 PMID: 12444097); however, these studies may not accurately represent in vivo biological function. This variant represents an in-frame deletion of 1 amino acid at position 1174 and is not predicted to alter the reading frame, but the effect of this variant on the protein is unclear. In summary, this variant is classified as pathogenic.

Blueprint Genetics
Classification: Pathogenic for FANCA-related disorders. Last evaluated: 2020-07-03. Review status: criteria provided, single submitter. Criteria: ACMG Guidelines, 2015. Collection method: clinical testing. Allele origin: germline. Affected: yes. Observed: 1 variant allele.

Literature cited by the submitters: PubMed 9371789 (cited by Labcorp Genetics (formerly Invitae), Labcorp); PubMed 17924555 (cited by Labcorp Genetics (formerly Invitae), Labcorp); PubMed 23613520 (cited by Labcorp Genetics (formerly Invitae), Labcorp and Natera, Inc.); PubMed 25703136 (cited by Labcorp Genetics (formerly Invitae), Labcorp); PubMed 12444097 (cited by Labcorp Genetics (formerly Invitae), Labcorp); PubMed 34422195 (cited by Natera, Inc.); PubMed 31558676 (cited by Natera, Inc.); PubMed 29098742 (cited by Natera, Inc.); PubMed 23067021 (cited by Natera, Inc.).